The following is an entry in ClinVar:

ClinVar aggregate classification (germline): Uncertain significance. Review status: criteria provided, multiple submitters, no conflicts (2 of 4 stars). 4 submissions from 4 submitters: Uncertain significance (4). Last evaluated 2025-10-01.

Conditions:
Inborn genetic diseases. Identifiers: MedGen C0950123, MeSH D030342.
Microcephaly 1, primary, autosomal recessive (MCPH1). Also called: PREMATURE CHROMOSOME CONDENSATION SYNDROME; PCC SYNDROME; PREMATURE CHROMOSOME CONDENSATION WITH MICROCEPHALY AND MENTAL RETARDATION. Identifiers: Orphanet 2512, MedGen C1855081, MONDO:0009617, OMIM 251200.

Allele frequency attached by ClinVar (database versions not stated): gnomAD 0.00001.
gnomAD v4.1: 9 of 1,613,800 alleles (0.00056%); highest among the groups gnomAD compares: East Asian, 0.0067%; no homozygotes.

Submissions (4):

Ambry Genetics
Classification: Uncertain significance for Inborn genetic diseases. Last evaluated: 2025-10-01. Review status: criteria provided, single submitter. Criteria: Ambry Variant Classification Scheme 2023. Collection method: clinical testing. Allele origin: germline.

Labcorp Genetics (formerly Invitae), Labcorp
Classification: Uncertain significance. Last evaluated: 2022-06-13. Review status: criteria provided, single submitter. Criteria: Invitae Variant Classification Sherloc (09022015). Collection method: clinical testing. Allele origin: germline.
Comment: This sequence change replaces lysine, which is basic and polar, with asparagine, which is neutral and polar, at codon 45 of the MCPH1 protein (p.Lys45Asn). This variant is present in population databases (rs374363568, gnomAD 0.01%). This variant has not been reported in the literature in individuals affected with MCPH1-related conditions. ClinVar contains an entry for this variant (Variation ID: 1333265). Algorithms developed to predict the effect of missense changes on protein structure and function are either unavailable or do not agree on the potential impact of this missense change (SIFT: "Not Available"; PolyPhen-2: "Probably Damaging"; Align-GVGD: "Not Available"). In summary, the available evidence is currently insufficient to determine the role of this variant in disease. Therefore, it has been classified as a Variant of Uncertain Significance.

3billion
Classification: Uncertain significance for Microcephaly 1, primary, autosomal recessive. Last evaluated: 2022-01-03. Review status: criteria provided, single submitter. Criteria: ACMG Guidelines, 2015. Collection method: clinical testing. Allele origin: germline. Affected: yes. Observed: 1 heterozygote.
Comment: The variant observed at an extremely low frequency in the gnomAD v2.1.1 dataset (total allele frequency: 0.000007, PM2_M). In silico tool predictions suggest damaging effect of the variant on gene or gene product (REVEL: 0.637, 3CNET: 0.94, PP3_P). Therefore, this variant is classified as uncertain significance according to the recommendation of ACMG/AMP guideline.

Revvity Omics, Revvity
Classification: Uncertain significance for Microcephaly 1, primary, autosomal recessive. Last evaluated: 2021-12-24. Review status: criteria provided, single submitter. Criteria: ACMG Guidelines, 2015. Collection method: clinical testing. Allele origin: germline.

NM_024596.5(MCPH1):c.135A>C (p.Lys45Asn)

Gene: MCPH1 (microcephalin 1; plus strand). Cytogenetic location: 8p23.1.
Variant type: single nucleotide variant.
Coding change: c.135A>C on transcript NM_024596.5 (MANE Select); coding-DNA position 135, A replaced by C.
Protein change: p.Lys45Asn; replaces lysine 45 with asparagine.
Molecular consequence: missense variant. On other transcripts: non-coding transcript variant (1).
Genome position (GRCh38, 1-based): chr8:6,414,785, A>C. VCF-style: chr8-6414785-A-C. GRCh37 (hg19) VCF-style: chr8-6272306-A-C.
Other names: c.135A>C, p.Lys45Asn (NM_001172574.2, NM_001172575.2, NM_001322042.2 and 2 more transcripts); c.129A>C, p.Lys43Asn (NM_001322043.2); c.33A>C, p.Lys11Asn (NM_001322045.2); c.135A>C (NM_024596.3); short protein forms K11N, K43N, K45N.
Identifiers: ClinVar variation 1333265 (VCV001333265.9), dbSNP rs374363568, ClinGen allele CA171364576.